The following is an entry in ClinVar:

ClinVar aggregate classification (germline): Uncertain significance. Review status: criteria provided, multiple submitters, no conflicts (2 of 4 stars). 2 submissions from 2 submitters: Uncertain significance (2). Last evaluated 2025-09-10.

Conditions:
Hereditary cancer-predisposing syndrome. Also called: Hereditary neoplastic syndrome; Hereditary Cancer Syndrome; Neoplastic Syndromes, Hereditary; Tumor predisposition. Identifiers: Orphanet 140162, MedGen C0027672, MeSH D009386, MONDO:0015356.
Bloom syndrome (BLM). Also called: Bloom-Torre-Machacek syndrome. Identifiers: Orphanet 125, MedGen C0005859, MONDO:0008876, OMIM 210900.

Submissions (2):

Labcorp Genetics (formerly Invitae), Labcorp
Classification: Uncertain significance for Bloom syndrome. Last evaluated: 2025-09-10. Review status: criteria provided, single submitter. Criteria: Invitae Variant Classification Sherloc (09022015). Collection method: clinical testing. Allele origin: germline.
Comment: This sequence change replaces lysine, which is basic and polar, with asparagine, which is neutral and polar, at codon 1057 of the BLM protein (p.Lys1057Asn). This variant is not present in population databases (gnomAD no frequency). This variant has not been reported in the literature in individuals affected with BLM-related conditions. ClinVar contains an entry for this variant (Variation ID: 2566821). Invitae Evidence Modeling of protein sequence and biophysical properties (such as structural, functional, and spatial information, amino acid conservation, physicochemical variation, residue mobility, and thermodynamic stability) indicates that this missense variant is not expected to disrupt BLM protein function with a negative predictive value of 80%. In summary, the available evidence is currently insufficient to determine the role of this variant in disease. Therefore, it has been classified as a Variant of Uncertain Significance.

Ambry Genetics
Classification: Uncertain significance for Hereditary cancer-predisposing syndrome. Last evaluated: 2023-04-08. Review status: criteria provided, single submitter. Criteria: Ambry Variant Classification Scheme 2023. Collection method: clinical testing. Allele origin: germline.
Comment: The p.K1057N variant (also known as c.3171A>T), located in coding exon 15 of the BLM gene, results from an A to T substitution at nucleotide position 3171. The lysine at codon 1057 is replaced by asparagine, an amino acid with similar properties. This amino acid position is conserved. In addition, this alteration is predicted to be tolerated by in silico analysis. Since supporting evidence is limited at this time, the clinical significance of this alteration remains unclear.

NM_000057.4(BLM):c.3171A>T (p.Lys1057Asn)

Gene: BLM (BLM RecQ like helicase; plus strand). Cytogenetic location: 15q26.1.
Variant type: single nucleotide variant.
Coding change: c.3171A>T on transcript NM_000057.4 (MANE Select); coding-DNA position 3171, A replaced by T.
Protein change: p.Lys1057Asn; replaces lysine 1057 with asparagine.
Molecular consequence: missense variant.
Genome position (GRCh38, 1-based): chr15:90,794,318, A>T. VCF-style: chr15-90794318-A-T. GRCh37 (hg19) VCF-style: chr15-91337548-A-T.
Other names: c.3171A>T, p.Lys1057Asn (NM_001287246.2, NM_001287247.2); c.2046A>T, p.Lys682Asn (NM_001287248.2); short protein forms K682N, K1057N.
Identifiers: ClinVar variation 2566821 (VCV002566821.5), dbSNP rs2151187399, ClinGen allele CA393846995.